The following is an entry in ClinVar:

ClinVar aggregate classification (germline): Uncertain significance (1 of 4 stars; one submission).

Allele frequency attached by ClinVar (database versions not stated): gnomAD exomes 0.00001; ExAC 0.00002.
gnomAD v4.1: 4 of 1,613,748 alleles (0.00025%); highest among the groups gnomAD compares: Admixed American, 0.0067%; no homozygotes.

Submission:

Labcorp Genetics (formerly Invitae), Labcorp
Classification: Uncertain significance. Last evaluated: 2022-06-06. Review status: criteria provided, single submitter. Criteria: Invitae Variant Classification Sherloc (09022015). Collection method: clinical testing. Allele origin: germline.
Comment: This variant has not been reported in the literature in individuals affected with CAMTA1-related conditions. This sequence change replaces phenylalanine, which is neutral and non-polar, with leucine, which is neutral and non-polar, at codon 238 of the CAMTA1 protein (p.Phe238Leu). This variant is present in population databases (rs761447240, gnomAD 0.009%). Algorithms developed to predict the effect of missense changes on protein structure and function are either unavailable or do not agree on the potential impact of this missense change (SIFT: "Deleterious"; PolyPhen-2: "Benign"; Align-GVGD: "Class C0"). In summary, the available evidence is currently insufficient to determine the role of this variant in disease. Therefore, it has been classified as a Variant of Uncertain Significance.

NM_015215.4(CAMTA1):c.712T>C (p.Phe238Leu)

Gene: CAMTA1 (calmodulin binding transcription activator 1; plus strand). Cytogenetic location: 1p36.23.
Variant type: single nucleotide variant.
Coding change: c.712T>C on transcript NM_015215.4 (MANE Select); coding-DNA position 712, T replaced by C.
Protein change: p.Phe238Leu; replaces phenylalanine 238 with leucine.
Molecular consequence: missense variant.
Genome position (GRCh38, 1-based): chr1:7,661,773, T>C. VCF-style: chr1-7661773-T-C. GRCh37 (hg19) VCF-style: chr1-7721833-T-C.
Other names: c.622T>C, p.Phe208Leu (NM_001349608.2, NM_001349612.2); c.712T>C, p.Phe238Leu (NM_001349609.2, NM_001349610.2, NM_001410737.1); c.640T>C, p.Phe214Leu (NM_001410738.1); short protein forms F238L, F208L, F214L.
Identifiers: ClinVar variation 1900875 (VCV001900875.5), dbSNP rs761447240, ClinGen allele CA566246.